The following is an entry in ClinVar:

NM_024079.5(ALG8):c.1039-5T>C

Gene: ALG8 (ALG8 alpha-1,3-glucosyltransferase; minus strand). Cytogenetic location: 11q14.1.
Variant type: single nucleotide variant.
Coding change: c.1039-5T>C on transcript NM_024079.5 (MANE Select); 5 bases into the intron before coding-DNA position 1039, T replaced by C.
Molecular consequence: intron variant.
Genome position (GRCh38, 1-based): chr11:78,106,951, A>G on the plus strand (T>C on the coding strand, the complement: ALG8 is on the minus strand). VCF-style: chr11-78106951-A-G. GRCh37 (hg19) VCF-style: chr11-77817997-A-G.
Other names: p.?; c.1039-5T>C (NM_001007027.3).
Identifiers: ClinVar variation 306214 (VCV000306214.21), dbSNP rs112211908, ClinGen allele CA6203226.

ClinVar aggregate classification (germline): Benign. Review status: criteria provided, multiple submitters, no conflicts (2 of 4 stars). 6 submissions from 6 submitters: Benign (4). 2 of the submissions do not count toward it. Last evaluated 2026-01-27.

Conditions:
ALG8 congenital disorder of glycosylation. Also called: CONGENITAL DISORDER OF GLYCOSYLATION, TYPE Ih; CDG Ih; ALG8-CDG. Identifiers: Orphanet 79325, MedGen C2931002, MONDO:0011969, OMIM 608104.

Allele frequency attached by ClinVar (database versions not stated): gnomAD 0.02114 and 0.01964; TOPMed 0.02267; ESP Exome Variant Server 0.02280; gnomAD exomes 0.00179 and 0.00479; ExAC 0.00583; 1000 Genomes Project 0.01937; 1000 Genomes Project 30x 0.02108.
gnomAD v4.1: 5,707 of 1,613,922 alleles (0.35%); highest among the groups gnomAD compares: African/African-American, 6.8%; 188 homozygotes.

Submissions (6):

Labcorp Genetics (formerly Invitae), Labcorp
Classification: Benign for ALG8 congenital disorder of glycosylation. Last evaluated: 2026-01-27. Review status: criteria provided, single submitter. Criteria: Invitae Variant Classification Sherloc (09022015). Collection method: clinical testing. Allele origin: germline.

Mayo Clinic Laboratories, Mayo Clinic
Classification: Benign. Last evaluated: 2023-04-03. Review status: criteria provided, single submitter. Criteria: ACMG Guidelines, 2015. Collection method: clinical testing. Allele origin: germline. Observed: 11 variant alleles.

GeneDx
Classification: Benign. Last evaluated: 2019-02-04. Review status: criteria provided, single submitter. Criteria: GeneDx Variant Classification Process June 2021. Collection method: clinical testing. Allele origin: germline. Affected: yes.

Illumina Laboratory Services, Illumina
Classification: Benign for ALG8 congenital disorder of glycosylation. Last evaluated: 2018-01-12. Review status: criteria provided, single submitter. Criteria: ICSL Variant Classification Criteria 13 December 2019. Collection method: clinical testing. Allele origin: germline.
Comment: This variant was observed in the ICSL laboratory as part of a predisposition screen in an ostensibly healthy population. It had not been previously curated by ICSL or reported in the Human Gene Mutation Database (HGMD: prior to June 1st, 2018), and was therefore a candidate for classification through an automated scoring system. Utilizing variant allele frequency, disease prevalence and penetrance estimates, and inheritance mode, an automated score was calculated to assess if this variant is too frequent to cause the disease. Based on the score and internal cut-off values, a variant classified as benign is not then subjected to further curation. The score for this variant resulted in a classification of benign for this disease.

Clinical Genetics, Academic Medical Center
Classification: Benign. Review status: no assertion criteria provided. Collection method: clinical testing. Allele origin: germline. Affected: yes. Study: VKGL Data-share Consensus. Not counted in ClinVar's aggregate classification.

Laboratory of Diagnostic Genome Analysis, Leiden University Medical Center (LUMC)
Classification: Likely benign. Review status: no assertion criteria provided. Collection method: clinical testing. Allele origin: germline. Affected: yes. Study: VKGL Data-share Consensus. Not counted in ClinVar's aggregate classification.